The following is an entry in ClinVar:

NM_002148.4(HOXD10):c.586C>A (p.Gln196Lys)

Gene: HOXD10 (homeobox D10; plus strand). Cytogenetic location: 2q31.1.
Variant type: single nucleotide variant.
Coding change: c.586C>A on transcript NM_002148.4 (MANE Select); coding-DNA position 586, C replaced by A.
Protein change: p.Gln196Lys; replaces glutamine 196 with lysine.
Molecular consequence: missense variant.
Genome position (GRCh38, 1-based): chr2:176,117,419, C>A. VCF-style: chr2-176117419-C-A. GRCh37 (hg19) VCF-style: chr2-176982147-C-A.
Other names: short protein forms Q196K.
Identifiers: ClinVar variation 2411898 (VCV002411898.6), dbSNP rs749450422, ClinGen allele CA1977329.

ClinVar aggregate classification (germline): Uncertain significance. Review status: criteria provided, multiple submitters, no conflicts (2 of 4 stars). 2 submissions from 2 submitters: Uncertain significance (2). Last evaluated 2025-01-01.

Allele frequency attached by ClinVar (database versions not stated): gnomAD 0.00003.

Submissions (2):

Ambry Genetics
Classification: Uncertain significance. Last evaluated: 2025-01-01. Review status: criteria provided, single submitter. Criteria: Ambry Variant Classification Scheme 2023. Collection method: clinical testing. Allele origin: germline.

ARUP Laboratories, Molecular Genetics and Genomics, ARUP Laboratories
Classification: Uncertain significance. Last evaluated: 2022-04-13. Review status: criteria provided, single submitter. Criteria: ARUP Molecular Germline Variant Investigation Process 2021. Collection method: clinical testing. Allele origin: germline.
Comment: The HOXD10 c.586C>A; p.Gln196Lys variant (rs749450422), to our knowledge, is not reported in the medical literature or gene specific databases. This variant is found in the general population with an overall allele frequency of 0.004% (9/248002 alleles) in the Genome Aggregation Database. The glutamine at codon 196 is moderately conserved, but computational analyses are uncertain whether this variant is neutral or deleterious (REVEL: 0.357). Due to limited information, the clinical significance of this variant is uncertain at this time.